The following is an entry in ClinVar:

ClinVar aggregate classification (germline): Uncertain significance. Review status: criteria provided, multiple submitters, no conflicts (2 of 4 stars). 3 submissions from 3 submitters: Uncertain significance (2). 1 of the submissions does not count toward it. Last evaluated 2022-10-24.

Conditions:
Anauxetic dysplasia 1 (ANXD1). Also called: Anauxetic Dysplasia (AD). Identifiers: Orphanet 93347, MedGen C4551965, MONDO:0054560, OMIM 607095.
Metaphyseal dysplasia without hypotrichosis. Also called: CARTILAGE-HAIR HYPOPLASIA VARIANT, SKELETAL MANIFESTATIONS ONLY; CARTILAGE-HAIR HYPOPLASIA-LIKE SKELETAL DYSPLASIA WITHOUT HYPOTRICHOSIS OR IMMUNODEFICIENCY; Metaphyseal Dysplasia without Hypotrichosis (MDWH). Identifiers: MedGen C1834821, MONDO:0009601, OMIM 250460.
Metaphyseal chondrodysplasia, McKusick type (CHH). Also called: Cartilage-Hair Hypoplasia (CHH); Cartilage-hair hypoplasia. Identifiers: Orphanet 175, MedGen C0220748, MONDO:0009595, OMIM 250250.
Anauxetic dysplasia. Identifiers: Orphanet 93347, MedGen C1846796, MONDO:0011773.

Allele frequency attached by ClinVar (database versions not stated): TOPMed 0.00018.
gnomAD v4.1: 52 of 699,100 alleles (0.0074%); highest among the groups gnomAD compares: African/African-American, 0.062%; no homozygotes.

Submissions (3):

Labcorp Genetics (formerly Invitae), Labcorp
Classification: Uncertain significance for Anauxetic dysplasia. Last evaluated: 2022-10-24. Review status: criteria provided, single submitter. Criteria: Invitae Variant Classification Sherloc (09022015). Collection method: clinical testing. Allele origin: germline.
Comment: This variant occurs in the RMRP gene, which encodes an RNA molecule that does not result in a protein product. This variant is present in population databases (no rsID available, gnomAD 0.06%). This variant has not been reported in the literature in individuals affected with RMRP-related conditions. ClinVar contains an entry for this variant (Variation ID: 850735). Experimental studies and prediction algorithms are not available or were not evaluated, and the functional significance of this variant is currently unknown. In summary, the available evidence is currently insufficient to determine the role of this variant in disease. Therefore, it has been classified as a Variant of Uncertain Significance.

Fulgent Genetics
Classification: Uncertain significance for Metaphyseal chondrodysplasia, McKusick type; Metaphyseal dysplasia without hypotrichosis; Anauxetic dysplasia 1. Last evaluated: 2021-11-01. Review status: criteria provided, single submitter. Criteria: ACMG Guidelines, 2015. Collection method: clinical testing. Allele origin: unknown.

Natera, Inc.
Classification: Uncertain significance for Cartilage-hair hypoplasia. Last evaluated: 2020-09-16. Review status: no assertion criteria provided. Collection method: clinical testing. Allele origin: germline. Not counted in ClinVar's aggregate classification.

NR_003051.4(RMRP):n.115C>T

Gene: RMRP (RNA component of mitochondrial RNA processing endoribonuclease; minus strand). Cytogenetic location: 9p13.3.
Variant type: single nucleotide variant.
Genome position: GRCh38 VCF-style: chr9-35657905-G-A. GRCh37 (hg19) VCF-style: chr9-35657902-G-A.
Identifiers: ClinVar variation 850735 (VCV000850735.6), dbSNP rs769331218, ClinGen allele CA192745628.